The following is an entry in ClinVar:

NM_001035.3(RYR2):c.12207T>C (p.Cys4069=)

Gene: RYR2 (ryanodine receptor 2; plus strand). Cytogenetic location: 1q43.
Variant type: single nucleotide variant.
Coding change: c.12207T>C on transcript NM_001035.3 (MANE Select); coding-DNA position 12207, T replaced by C.
Protein change: p.Cys4069=; no amino-acid change (cysteine 4069 retained).
Molecular consequence: synonymous variant.
Genome position (GRCh38, 1-based): chr1:237,783,919, T>C. VCF-style: chr1-237783919-T-C. GRCh37 (hg19) VCF-style: chr1-237947219-T-C.
Identifiers: ClinVar variation 517254 (VCV000517254.32), dbSNP rs756280887, ClinGen allele CA085145.
Genomic context (GRCh38, chr1:237,783,919, plus strand): 5'-CAAAGCGATGGAGAGCCATAAGCACTACACGCAGTCAGAAACGGAATTTCTTTTGTCTTG[T>C]GCGGAGACGGATGAGAATGAAACCCTCGACTACGAAGAGTTCGTCAAACGCTTCCACGAA-3'
Protein context (NP_001026.2, residues 4059-4079): TQSETEFLLS[Cys4069=]AETDENETLD

ClinVar aggregate classification (germline): Likely benign. Review status: criteria provided, multiple submitters, no conflicts (2 of 4 stars). 13 submissions from 13 submitters: Likely benign (8). 5 of the submissions do not count toward it. Last evaluated 2025-10-13.

Conditions:
Cardiovascular phenotype. Identifiers: MedGen CN230736.
Catecholaminergic polymorphic ventricular tachycardia (CVPT). Also called: Catecholamine-induced polymorphic ventricular tachycardia. Identifiers: Orphanet 3286, MedGen C5574922, MONDO:0017990.
Catecholaminergic polymorphic ventricular tachycardia 1. Also called: RYR2-Related Catecholaminergic Polymorphic Ventricular Tachycardia; VENTRICULAR TACHYCARDIA, STRESS-INDUCED POLYMORPHIC 1; VENTRICULAR TACHYCARDIA, CATECHOLAMINERGIC POLYMORPHIC, 1, WITH OR WITHOUT ATRIAL DYSFUNCTION AND/OR DILATED CARDIOMYOPATHY. Identifiers: Orphanet 3286, MedGen C1631597, MONDO:0011484, OMIM 604772.
Cardiomyopathy (CMYO). Also called: Cardiomyopathies. Identifiers: Orphanet 167848, MedGen C0878544, MONDO:0004994, HP:0001638. Inheritance: Various modes of inheritance.

Allele frequency attached by ClinVar (database versions not stated): TOPMed below 0.00001; ExAC 0.00001; gnomAD exomes 0.00001; gnomAD 0.00003 and 0.00004.
gnomAD v4.1: 35 of 1,613,372 alleles (0.0022%); highest among the groups gnomAD compares: Non-Finnish European, 0.0029%; no homozygotes.

Submissions (13):

Labcorp Genetics (formerly Invitae), Labcorp
Classification: Likely benign for Catecholaminergic polymorphic ventricular tachycardia 1. Last evaluated: 2025-10-13. Review status: criteria provided, single submitter. Criteria: Invitae Variant Classification Sherloc (09022015). Collection method: clinical testing. Allele origin: germline.

Women's Health and Genetics/Laboratory Corporation of America, LabCorp
Classification: Likely benign. Last evaluated: 2024-01-08. Review status: criteria provided, single submitter. Criteria: LabCorp Variant Classification Summary - May 2015. Collection method: clinical testing. Allele origin: germline.

All of Us Research Program, National Institutes of Health
Classification: Likely benign for Catecholaminergic polymorphic ventricular tachycardia. Last evaluated: 2023-12-01. Review status: criteria provided, single submitter. Criteria: ACMG Guidelines, 2015. Collection method: clinical testing. Allele origin: germline. Inheritance: Autosomal dominant inheritance. Observed: 4 variant alleles, 4 heterozygotes.
Comment: This study involves interpretation of variants in research participants for the purpose of population health screening. Participant phenotype was not available at the time of variant classification. Additional details can be found in publication PMID: 35346344, PMCID: PMC8962531

Color Diagnostics, LLC DBA Color Health
Classification: Likely benign for Cardiomyopathy. Last evaluated: 2020-09-28. Review status: criteria provided, single submitter. Criteria: ACMG Guidelines, 2015. Collection method: clinical testing. Allele origin: germline.

Blueprint Genetics
Classification: Likely benign. Last evaluated: 2019-06-14. Review status: criteria provided, single submitter. Criteria: ACMG Guidelines, 2015. Collection method: clinical testing. Allele origin: germline.

GeneDx
Classification: Likely benign. Last evaluated: 2019-05-21. Review status: criteria provided, single submitter. Criteria: GeneDx Variant Classification Process June 2021. Collection method: clinical testing. Allele origin: germline. Affected: yes.

Ambry Genetics
Classification: Likely benign for Cardiovascular phenotype. Last evaluated: 2019-03-22. Review status: criteria provided, single submitter. Criteria: Ambry Variant Classification Scheme 2023. Collection method: clinical testing. Allele origin: germline.

Laboratory for Molecular Medicine, Mass General Brigham Personalized Medicine
Classification: Likely benign. Last evaluated: 2017-01-27. Review status: criteria provided, single submitter. Criteria: LMM Criteria. Collection method: clinical testing. Allele origin: germline. Observed: 1 variant allele.
Comment: p.Cys4069Cys in exon 90 of RYR2: This variant is not expected to have clinical s ignificance because it does not alter an amino acid residue and is not located w ithin the splice consensus sequence. It has been identified in 1/64678 European chromosomes by the Exome Aggregation Consortium (ExAC; dbSNP rs756280887).

Clinical Genetics DNA and cytogenetics Diagnostics Lab, Erasmus MC, Erasmus Medical Center
Classification: Likely benign. Review status: no assertion criteria provided. Collection method: clinical testing. Allele origin: germline. Affected: yes. Study: VKGL Data-share Consensus. Not counted in ClinVar's aggregate classification.

Clinical Genetics, Academic Medical Center
Classification: Benign. Review status: no assertion criteria provided. Collection method: clinical testing. Allele origin: germline. Affected: yes. Study: VKGL Data-share Consensus. Not counted in ClinVar's aggregate classification.

Diagnostic Laboratory, Department of Genetics, University Medical Center Groningen
Classification: Likely benign. Review status: no assertion criteria provided. Collection method: clinical testing. Allele origin: germline. Affected: yes. Study: VKGL Data-share Consensus. Not counted in ClinVar's aggregate classification.

Genome Diagnostics Laboratory, University Medical Center Utrecht
Classification: Likely benign. Review status: no assertion criteria provided. Collection method: clinical testing. Allele origin: germline. Affected: yes. Study: VKGL Data-share Consensus. Not counted in ClinVar's aggregate classification.

Joint Genome Diagnostic Labs from Nijmegen and Maastricht, Radboudumc and MUMC+
Classification: Likely benign. Review status: no assertion criteria provided. Collection method: clinical testing. Allele origin: germline. Affected: yes. Study: VKGL Data-share Consensus. Not counted in ClinVar's aggregate classification.